The following is an entry in ClinVar:

NM_001035.3(RYR2):c.14152-17C>G

Gene: RYR2 (ryanodine receptor 2; plus strand). Cytogenetic location: 1q43.
Variant type: single nucleotide variant.
Coding change: c.14152-17C>G on transcript NM_001035.3 (MANE Select); 17 bases into the intron before coding-DNA position 14152, C replaced by G.
Molecular consequence: intron variant.
Genome position (GRCh38, 1-based): chr1:237,806,120, C>G. VCF-style: chr1-237806120-C-G. GRCh37 (hg19) VCF-style: chr1-237969420-C-G.
Other names: c.14152-17C>G (LRG_402t1).
Identifiers: ClinVar variation 201187 (VCV000201187.12), dbSNP rs368078898, ClinGen allele CA008169.
Genomic context (GRCh38, chr1:237,806,120, plus strand): 5'-TTATTTTGCTTAACCCATAACAATAGTCATGCGTTCTGTTTTCTGACATGTTCTTTCCCC[C>G]CGTTTTGTCTTAATAGTCCTTCCTCTACCTAGCCTGGTATATGACTATGTCTGTTCTTGG-3'

ClinVar aggregate classification (germline): Benign/Likely benign. Review status: criteria provided, multiple submitters, no conflicts (2 of 4 stars). 4 submissions from 4 submitters: Benign (3); Likely benign (1). Last evaluated 2026-01-24.

Conditions:
Catecholaminergic polymorphic ventricular tachycardia 1. Also called: VENTRICULAR TACHYCARDIA, CATECHOLAMINERGIC POLYMORPHIC, 1, WITH OR WITHOUT ATRIAL DYSFUNCTION AND/OR DILATED CARDIOMYOPATHY; VENTRICULAR TACHYCARDIA, STRESS-INDUCED POLYMORPHIC 1; RYR2-Related Catecholaminergic Polymorphic Ventricular Tachycardia. Identifiers: Orphanet 3286, MedGen C1631597, MONDO:0011484, OMIM 604772.

Allele frequency attached by ClinVar (database versions not stated): ExAC 0.00010; 1000 Genomes Project 0.00020; ESP Exome Variant Server 0.00025; 1000 Genomes Project 30x 0.00031; gnomAD 0.00039 and 0.00043; TOPMed 0.00040.
gnomAD v4.1: 108 of 1,610,758 alleles (0.0067%); highest among the groups gnomAD compares: African/African-American, 0.13%; no homozygotes.

Submissions (4):

Labcorp Genetics (formerly Invitae), Labcorp
Classification: Benign for Catecholaminergic polymorphic ventricular tachycardia 1. Last evaluated: 2026-01-24. Review status: criteria provided, single submitter. Criteria: Invitae Variant Classification Sherloc (09022015). Collection method: clinical testing. Allele origin: germline.

ARUP Laboratories, Molecular Genetics and Genomics, ARUP Laboratories
Classification: Benign. Last evaluated: 2025-03-21. Review status: criteria provided, single submitter. Criteria: ARUP Molecular Germline Variant Investigation Process 2024. Collection method: clinical testing. Allele origin: germline.

Blueprint Genetics
Classification: Likely benign. Last evaluated: 2018-07-04. Review status: criteria provided, single submitter. Criteria: ACMG Guidelines, 2015. Collection method: clinical testing. Allele origin: germline.

GeneDx
Classification: Benign. Last evaluated: 2014-09-18. Review status: criteria provided, single submitter. Criteria: GeneDx Variant Classification (06012015). Collection method: clinical testing. Allele origin: germline. Affected: yes.
Comment: This variant is considered likely benign or benign based on one or more of the following criteria: it is a conservative change, it occurs at a poorly conserved position in the protein, it is predicted to be benign by multiple in silico algorithms, and/or has population frequency not consistent with disease.